The following is an entry in ClinVar:

ClinVar aggregate classification (germline): Conflicting classifications of pathogenicity. Review status: criteria provided, conflicting classifications (1 of 4 stars). 5 submissions from 2 submitters: Uncertain significance (4); Likely benign (1). Last evaluated 2018-01-13.

Conditions:
Transitory neonatal diabetes mellitus. Also called: Transient neonatal diabetes mellitus. Identifiers: MedGen C0342273, MONDO:0020525, HP:0008255.
Maturity-onset diabetes of the young (MODY). Also called: Maturity onset diabetes mellitus in young. Identifiers: Orphanet 552, MedGen C0342276, MONDO:0018911, HP:0004904.
Hyperinsulinemic hypoglycemia, familial, 1 (HHF1). Also called: Persistent hyperinsulinemic hypoglycemia of infancy; HYPERINSULINISM, FAMILIAL, WITH PANCREATIC NESIDIOBLASTOSIS; HYPOGLYCEMIA, HYPERINSULINEMIC, OF INFANCY; NESIDIOBLASTOSIS OF PANCREAS; Persistent Hyperinsulinemia Hypoglycemia of Infancy. Identifiers: Orphanet 276575, Orphanet 276598, MedGen C2931832, MONDO:0009734, OMIM 256450.
Permanent neonatal diabetes mellitus (PNDM). Identifiers: Orphanet 99885, MedGen C1833104, MONDO:0100164, MONDO:0011643. Disease mechanism: gain of function.
Diabetes mellitus, transient neonatal, 2 (TNDM2). Identifiers: Orphanet 99886, MedGen C1835887, MONDO:0012480, OMIM 610374. Disease mechanism: loss of function.

Allele frequency attached by ClinVar (database versions not stated): gnomAD 0.00001; gnomAD exomes 0.00001 and 0.00002; TOPMed 0.00002; ExAC 0.00006.
gnomAD v4.1: 18 of 1,610,306 alleles (0.0011%); highest among the groups gnomAD compares: Non-Finnish European, 0.0014%; no homozygotes.

Submissions (5):

Illumina Laboratory Services, Illumina
Classification: Uncertain significance for Permanent neonatal diabetes mellitus 1. Last evaluated: 2018-01-13. Review status: criteria provided, single submitter. Criteria: ICSL Variant Classification Criteria 13 December 2019. Collection method: clinical testing. Allele origin: germline.

Illumina Laboratory Services, Illumina
Classification: Likely benign for Diabetes mellitus, transient neonatal, 2. Last evaluated: 2018-01-13. Review status: criteria provided, single submitter. Criteria: ICSL Variant Classification Criteria 13 December 2019. Collection method: clinical testing. Allele origin: germline.
Comment: This variant was observed in the ICSL laboratory as part of a predisposition screen in an ostensibly healthy population. It had not been previously curated by ICSL or reported in the Human Gene Mutation Database (HGMD: prior to June 1st, 2018), and was therefore a candidate for classification through an automated scoring system. Utilizing variant allele frequency, disease prevalence and penetrance estimates, and inheritance mode, an automated score was calculated to assess if this variant is too frequent to cause the disease. Based on the score and internal cut-off values, a variant classified as likely benign is not then subjected to further curation. The score for this variant resulted in a classification of likely benign for this disease.

Illumina Laboratory Services, Illumina
Classification: Uncertain significance for Hyperinsulinemic hypoglycemia, familial, 1. Last evaluated: 2018-01-13. Review status: criteria provided, single submitter. Criteria: ICSL Variant Classification Criteria 13 December 2019. Collection method: clinical testing. Allele origin: germline.

Clinical Genomics, Uppaluri K&H Personalized Medicine Clinic
Classification: Uncertain significance for Maturity-onset diabetes of the young. Review status: criteria provided, single submitter. Criteria: K & H Uppaluri Personalized Medicine Clinic Variant Classification & Assertion Criteria_Updated V.1. Collection method: research. Allele origin: unknown. Inheritance: Somatic mutation.
Comment: Mutations in ABCC8 gene are associated with both neonatal diabetes mellitus as well as MODY. Patients with this mutation may have a better response to sulfonylureas. However, no sufficient evidence is found to ascertain the role of this particular variant (rs756328102) in MODY yet.

Clinical Genomics, Uppaluri K&H Personalized Medicine Clinic
Classification: Uncertain significance for Transitory neonatal diabetes mellitus. Review status: criteria provided, single submitter. Criteria: K & H Uppaluri Personalized Medicine Clinic Variant Classification & Assertion Criteria_Updated V.1. Collection method: research. Allele origin: unknown. Inheritance: Somatic mutation.
Comment: Mutations in ABCC8 gene are associated with both neonatal diabetes mellitus as well as MODY. Patients with this mutation may have a better response to sulfonylureas. However, no sufficient evidence is found to ascertain the role of this particular variant (rs756328102) in neonatal diabetes yet.

Literature cited by the submitters: PubMed 16885549 (cited by Clinical Genomics, Uppaluri K&H Personalized Medicine Clinic); PubMed 21989597 (cited by Clinical Genomics, Uppaluri K&H Personalized Medicine Clinic); PubMed 27538677 (cited by Clinical Genomics, Uppaluri K&H Personalized Medicine Clinic); PubMed 18981553 (cited by Clinical Genomics, Uppaluri K&H Personalized Medicine Clinic); PubMed 32027066 (cited by Clinical Genomics, Uppaluri K&H Personalized Medicine Clinic); PubMed 16613899 (cited by Clinical Genomics, Uppaluri K&H Personalized Medicine Clinic); PubMed 18025408 (cited by Clinical Genomics, Uppaluri K&H Personalized Medicine Clinic); PubMed 32792356 (cited by Clinical Genomics, Uppaluri K&H Personalized Medicine Clinic).

NM_000352.6(ABCC8):c.2256-3C>T

Gene: ABCC8 (ATP binding cassette subfamily C member 8; minus strand). Cytogenetic location: 11p15.1.
Variant type: single nucleotide variant.
Coding change: c.2256-3C>T on transcript NM_000352.6 (MANE Select); 3 bases into the intron before coding-DNA position 2256, C replaced by T.
Molecular consequence: intron variant.
Genome position (GRCh38, 1-based): chr11:17,415,342, G>A on the plus strand (C>T on the coding strand, the complement: ABCC8 is on the minus strand). VCF-style: chr11-17415342-G-A. GRCh37 (hg19) VCF-style: chr11-17436889-G-A.
Other names: c.2253-3C>T (NM_001351297.2); c.2256-3C>T (NM_001351296.2); c.2322-3C>T (NM_001351295.2); c.2259-3C>T (NM_001287174.3).
Identifiers: ClinVar variation 303774 (VCV000303774.6), dbSNP rs756328102, ClinGen allele CA5903234.
Genomic context (GRCh38, chr11:17,415,342, plus strand): 5'-CAATGTTCCCAGGACGCAGTACCTGATATCCAAGTCGGTCGCTGTCTCCCGCTCTGGGCT[G>A]CAGCAGGGGAGGAAAGGCATACTGAGCTCTCATGGGAGTGAACCATATCCTCCAGGAAGA-3'